The following is an entry in ClinVar:

ClinVar aggregate classification (germline): Likely pathogenic (1 of 4 stars; one submission).

Conditions:
Nemaline myopathy 2 (NEM2). Also called: Nemaline myopathy 2, autosomal recessive. Identifiers: MedGen C1850569, MONDO:0009725, OMIM 256030.

Submission:

Natera, Inc.
Classification: Likely pathogenic for Nemaline myopathy type 2. Last evaluated: 2025-06-30. Review status: criteria provided, single submitter. Criteria: Natera Variant Classification Schema (03/2026). Collection method: clinical testing. Allele origin: germline.
Comment: The c.23333_23334delinsGCAATATCA variant in NEB is a frameshift variant predicted to shift the reading frame beginning at codon 7778 and leads to a stop codon 9 codons downstream. This variant is expected to result in nonsense mediated decay, truncation, or a dysfunctional protein product. This variant is rare in the general population with a frequency below the threshold expected for the associated phenotype(s). Given the available evidence, this variant is classified as Likely Pathogenic.

NM_001164508.2(NEB):c.23228_23229delinsGCAATATCA (p.Asp7743fs)

Genes: NEB (nebulin; minus strand), RIF1 (replication timing regulatory factor 1; plus strand). Cytogenetic location: 2q23.3.
Variant type: Indel.
Coding change: c.23228_23229delinsGCAATATCA on transcript NM_001164508.2 (MANE Select); coding-DNA positions 23228 to 23229, AT replaced by GCAATATCA.
Protein change: p.Asp7743fs; shifts the reading frame from aspartic acid 7743.
Molecular consequence: frameshift variant.
Genome position (GRCh38, 1-based): chr2:151,513,592-151,513,593, AT replaced by TGATATTGC on the plus strand (AT replaced by GCAATATCA on the coding strand, the reverse complement: NEB is on the minus strand). VCF-style: chr2-151513592-AT-TGATATTGC. GRCh37 (hg19) VCF-style: chr2-152370106-AT-TGATATTGC.
Other names: c.23228_23229delinsGCAATATCA, p.Asp7743fs (NM_001164507.2); c.23333_23334delATinsGCAATATCA, p.Asp7778Glyfs (NM_001271208.1); c.23333_23334delinsGCAATATCA, p.Asp7778fs (NM_001271208.2); c.18125_18126delinsGCAATATCA, p.Asp6042fs (NM_004543.5); short protein forms D6042fs, D7743fs, D7778fs.
Identifiers: ClinVar variation 4814761 (VCV004814761.1).